The following is an entry in ClinVar:

NM_005070.4(SLC4A3):c.2675C>T (p.Thr892Met)

Gene: SLC4A3 (solute carrier family 4 member 3; plus strand). Cytogenetic location: 2q35.
Variant type: single nucleotide variant.
Coding change: c.2675C>T on transcript NM_005070.4 (MANE Select); coding-DNA position 2675, C replaced by T.
Protein change: p.Thr892Met; replaces threonine 892 with methionine.
Molecular consequence: missense variant. On other transcripts: non-coding transcript variant (1).
Genome position (GRCh38, 1-based): chr2:219,637,720, C>T. VCF-style: chr2-219637720-C-T. GRCh37 (hg19) VCF-style: chr2-220502442-C-T.
Other names: c.2756C>T, p.Thr919Met (NM_001326559.2, NM_201574.3); c.2675C>T, p.Thr892Met (NM_001438863.1); c.2081C>T, p.Thr694Met (NM_001438864.1); short protein forms T694M, T892M, T919M.
Identifiers: ClinVar variation 4879683 (VCV004879683.1).

ClinVar aggregate classification (germline): Uncertain significance (1 of 4 stars; one submission).

Conditions:
Short QT syndrome 7 (SQT7). Identifiers: MedGen C5774304, MONDO:0859368, OMIM 620231.

gnomAD v4.1: 11 of 1,613,814 alleles (0.00068%); highest among the groups gnomAD compares: Non-Finnish European, 0.00085%; no homozygotes.

Submission:

Victorian Clinical Genetics Services, Murdoch Childrens Research Institute
Classification: Uncertain significance for Short QT syndrome 7. Last evaluated: 2026-07-14. Review status: criteria provided, single submitter. Criteria: ACMG Guidelines, 2015. Collection method: clinical testing. Allele origin: germline. Affected: yes.
Comment: This variant is classified as VUS-3B. Evidence in support of pathogenic classification: Variant is present in gnomAD <0.001 for a dominant condition (v4: 11 heterozygote(s), 0 homozygote(s)); Missense variant predicted to be damaging by in silico tool(s) or highly conserved with a major amino acid change. Additional information: Variant is predicted to result in a missense amino acid change from Thr to Met; This variant is heterozygous; This gene is associated with autosomal dominant disease; This variant has no previous evidence of pathogenicity; No published evidence of segregation with disease has been identified for this variant; No published functional evidence has been identified for this variant; No comparable missense variants have previous evidence for pathogenicity; Variant is located in the annotated HCO3- transporter integral membrane domain (DECIPHER); Loss of function is a known mechanism of disease in this gene and is associated with short QT syndrome 7 (MIM#620231; PMID: 29167417; PMID: 36806574). However, a single missense has been functionally proven to have a gain of function mechanism (PMID: 40439641); Inheritance information for this variant is not currently available in this individual.

Literature cited by the submitters: PubMed 36806574; PubMed 40439641; PubMed 29167417.